The following is an entry in ClinVar:

ClinVar aggregate classification (germline): Uncertain significance (1 of 4 stars; one submission).

Allele frequency attached by ClinVar (database versions not stated): gnomAD 0.00001; TOPMed 0.00002.
gnomAD v4.1: 3 of 1,610,478 alleles (0.00019%); highest among the groups gnomAD compares: African/African-American, 0.0027%; no homozygotes.

Submission:

Labcorp Genetics (formerly Invitae), Labcorp
Classification: Uncertain significance. Last evaluated: 2021-10-14. Review status: criteria provided, single submitter. Criteria: Invitae Variant Classification Sherloc (09022015). Collection method: clinical testing. Allele origin: germline.
Comment: This sequence change replaces aspartic acid with glutamic acid at codon 1356 of the COL27A1 protein (p.Asp1356Glu). The aspartic acid residue is highly conserved and there is a small physicochemical difference between aspartic acid and glutamic acid. This variant is not present in population databases (ExAC no frequency). This variant has not been reported in the literature in individuals affected with COL27A1-related conditions. Advanced modeling of protein sequence and biophysical properties (such as structural, functional, and spatial information, amino acid conservation, physicochemical variation, residue mobility, and thermodynamic stability) performed at Invitae indicates that this missense variant is not expected to disrupt COL27A1 protein function. In summary, the available evidence is currently insufficient to determine the role of this variant in disease. Therefore, it has been classified as a Variant of Uncertain Significance.

NM_032888.4(COL27A1):c.4068C>A (p.Asp1356Glu)

Genes: COL27A1 (collagen type XXVII alpha 1 chain; plus strand), LOC126860736 (MED14-independent group 3 enhancer GRCh37_chr9:117050487-117051686; plus strand). Cytogenetic location: 9q32.
Variant type: single nucleotide variant.
Coding change: c.4068C>A on transcript NM_032888.4 (MANE Select); coding-DNA position 4068, C replaced by A.
Protein change: p.Asp1356Glu; replaces aspartic acid 1356 with glutamic acid.
Molecular consequence: missense variant.
Genome position (GRCh38, 1-based): chr9:114,288,725, C>A. VCF-style: chr9-114288725-C-A. GRCh37 (hg19) VCF-style: chr9-117051005-C-A.
Other names: short protein forms D1356E.
Identifiers: ClinVar variation 1399527 (VCV001399527.5), dbSNP rs956232162, ClinGen allele CA198660635.
Genomic context (GRCh38, chr9:114,288,725, plus strand): 5'-TGGTGGCCCAAATTTTGCTGTTGTCTTTGTCATTCAGGGCCCTGTGGGTGATCGAGGAGA[C>A]CGCGGGGAACCGGGAGACCCTGGGTACCCTGTAAGTATCAGAGCTCCTACCTGCTGGCAG-3'
Protein context (NP_116277.2, residues 1346-1366): GDRGPVGDRG[Asp1356Glu]RGEPGDPGYP